The following is an entry in ClinVar:

NM_001031725.6(DDX59):c.787A>G (p.Met263Val)

Gene: DDX59 (DEAD-box helicase 59; minus strand). Cytogenetic location: 1q32.1.
Variant type: single nucleotide variant.
Coding change: c.787A>G on transcript NM_001031725.6 (MANE Select); coding-DNA position 787, A replaced by G.
Protein change: p.Met263Val; replaces methionine 263 with valine.
Molecular consequence: missense variant.
Genome position (GRCh38, 1-based): chr1:200,665,954, T>C on the plus strand (A>G on the coding strand, the complement: DDX59 is on the minus strand). VCF-style: chr1-200665954-T-C. GRCh37 (hg19) VCF-style: chr1-200635082-T-C.
Other names: c.787A>G, p.Met263Val (NM_001320181.2, NM_001320182.1, NM_001349799.3 and 5 more transcripts); short protein forms M263V.
Identifiers: ClinVar variation 1931276 (VCV001931276.5), dbSNP rs752268438, ClinGen allele CA1318443.
Genomic context (GRCh38, chr1:200,665,954, plus strand): 5'-GTTTCCAAGAATAATACATGTGAACTCTATTATTAACACTTACCTCGAATAAAGCTCGCA[T>C]GATAACAGGAAGAAGAAAAGCAGCTGTTTTTCCTGAGCCAGTATCTGCACTGGCCAGAAT-3'
Protein context (NP_001026895.2, residues 253-273): KTAAFLLPVI[Met263Val]RALFESKTPS

ClinVar aggregate classification (germline): Uncertain significance (1 of 4 stars; one submission).

Allele frequency attached by ClinVar (database versions not stated): gnomAD exomes below 0.00001; TOPMed below 0.00001; gnomAD 0.00001; ExAC 0.00002.
gnomAD v4.1: 7 of 1,608,352 alleles (0.00044%); highest among the groups gnomAD compares: South Asian, 0.0044%; no homozygotes.

Submission:

Labcorp Genetics (formerly Invitae), Labcorp
Classification: Uncertain significance. Last evaluated: 2022-06-25. Review status: criteria provided, single submitter. Criteria: Invitae Variant Classification Sherloc (09022015). Collection method: clinical testing. Allele origin: germline.
Comment: This variant is present in population databases (rs752268438, gnomAD 0.003%). This sequence change replaces methionine, which is neutral and non-polar, with valine, which is neutral and non-polar, at codon 263 of the DDX59 protein (p.Met263Val). This variant has not been reported in the literature in individuals affected with DDX59-related conditions. In summary, the available evidence is currently insufficient to determine the role of this variant in disease. Therefore, it has been classified as a Variant of Uncertain Significance. Algorithms developed to predict the effect of missense changes on protein structure and function output the following: SIFT: "Not Available"; PolyPhen-2: "Benign"; Align-GVGD: "Not Available". The valine amino acid residue is found in multiple mammalian species, which suggests that this missense change does not adversely affect protein function.